The following is an entry in ClinVar:

NM_007294.4(BRCA1):c.3119G>A (p.Ser1040Asn)

Gene: BRCA1 (BRCA1 DNA repair associated; minus strand). Cytogenetic location: 17q21.31.
Variant type: single nucleotide variant.
Coding change: c.3119G>A on transcript NM_007294.4 (MANE Select); coding-DNA position 3119, G replaced by A.
Protein change: p.Ser1040Asn; replaces serine 1040 with asparagine.
Molecular consequence: missense variant. On other transcripts: intron variant (137).
Genome position (GRCh38, 1-based): chr17:43,092,412, C>T on the plus strand (G>A on the coding strand, the complement: BRCA1 is on the minus strand). VCF-style: chr17-43092412-C-T. GRCh37 (hg19) VCF-style: chr17-41244429-C-T.
Other names: p.S1040N:AGC>AAC; NP_009225.1:p.Ser1040Asn; 3238G>A; c.2906G>A, p.Ser969Asn (NM_001407571.1, NM_001407897.1, NM_001407898.1 and 9 more transcripts); c.3119G>A, p.Ser1040Asn (NM_001407581.1, NM_001407582.1, NM_001407583.1 and 30 more transcripts); c.3116G>A, p.Ser1039Asn (NM_001407587.1, NM_001407590.1, NM_001407591.1 and 22 more transcripts); c.2996G>A, p.Ser999Asn (NM_001407667.1, NM_001407668.1, NM_001407669.1 and 19 more transcripts); c.2993G>A, p.Ser998Asn (NM_001407670.1, NM_001407671.1, NM_001407672.1 and 11 more transcripts); and 44 more; short protein forms S1040N, S993N, S1014N, S1039N, S992N, S998N, S872N, S913N.
Identifiers: ClinVar variation 17670 (VCV000017670.130), dbSNP rs4986852, ClinGen allele CA002038.

ClinVar aggregate classification (germline): Benign. Review status: reviewed by expert panel (3 of 4 stars). 44 submissions from 44 submitters: Benign (1). 43 of the submissions do not count toward it. Last evaluated 2015-08-10.

Conditions:
Familial cancer of breast. Also called: hereditary breast carcinoma; BREAST CANCER, FAMILIAL; Hereditary breast cancer. Identifiers: Orphanet 227535, MedGen C0346153, MONDO:0016419, OMIM 114480. Disease mechanism: loss of function.
Fanconi anemia, complementation group S (FANCS). Identifiers: MedGen C4554406, MONDO:0054748, OMIM 617883.
Pancreatic cancer, susceptibility to, 4. Identifiers: Orphanet 1333, MedGen C3280442, MONDO:0013685, OMIM 614320.
Breast-ovarian cancer, familial, susceptibility to, 1 (BROVCA1). Also called: OVARIAN CANCER, SUSCEPTIBILITY TO; BRCA1 Hereditary Breast and Ovarian Cancer. Identifiers: Orphanet 145, MedGen C2676676, MONDO:0011450, OMIM 604370. Disease mechanism: loss of function.
Hereditary cancer-predisposing syndrome. Also called: Hereditary neoplastic syndrome; Hereditary Cancer Syndrome; Neoplastic Syndromes, Hereditary; Tumor predisposition. Identifiers: Orphanet 140162, MedGen C0027672, MeSH D009386, MONDO:0015356.
Hereditary breast ovarian cancer syndrome. Also called: Hereditary breast and ovarian cancer syndrome; Hereditary breast and ovarian cancer syndrome (HBOC); Breast and ovarian cancer; Hereditary breast and/or ovarian cancer syndrome; BRCA1- and BRCA2-Associated Hereditary Breast and Ovarian Cancer; Hereditary breast and ovarian cancer. Identifiers: Orphanet 145, MedGen C0677776, MeSH D061325, MONDO:0003582. Disease mechanism: loss of function.

Allele frequency attached by ClinVar (database versions not stated): gnomAD exomes 0.01315; ExAC 0.01317; gnomAD 0.01109; 1000 Genomes Project 0.00978; TOPMed 0.01588; 1000 Genomes Project 30x 0.00999.
gnomAD v4.1: 31,073 of 1,613,846 alleles (1.9%); highest among the groups gnomAD compares: Non-Finnish European, 2.3%; 338 homozygotes.

Submissions 1 to 19 of 44:

Evidence-based Network for the Interpretation of Germline Mutant Alleles (ENIGMA)
Classification: Benign for Breast-ovarian cancer, familial 1. Last evaluated: 2015-08-10. Review status: reviewed by expert panel. Criteria: ENIGMA BRCA1/2 Classification Criteria (2015). Collection method: curation. Allele origin: germline.
Comment: IARC class based on posterior probability from multifactorial likelihood analysis, thresholds for class as per Plon et al. 2008 (PMID: 18951446). Class 1 based on posterior probability = 0.00000000000204. Also class 1 based on frequency >1% in an outbred sampleset. Frequency 0.02111 (European), derived from 1000 genomes (2012-04-30).

CeGaT Center for Human Genetics Tuebingen
Classification: Benign. Last evaluated: 2026-09-01. Review status: criteria provided, single submitter. Criteria: CeGaT Center For Human Genetics Tuebingen Variant Classification Criteria Version 2. Collection method: clinical testing. Allele origin: germline. Affected: yes. Observed: 276 variant alleles. Not counted in ClinVar's aggregate classification.
Comment: BRCA1: BP4, BS1, BS2

Labcorp Genetics (formerly Invitae), Labcorp
Classification: Benign for Hereditary breast ovarian cancer syndrome. Last evaluated: 2026-02-04. Review status: criteria provided, single submitter. Criteria: Invitae Variant Classification Sherloc (09022015). Collection method: clinical testing. Allele origin: germline. Not counted in ClinVar's aggregate classification.

ARUP Laboratories, Molecular Genetics and Genomics, ARUP Laboratories
Classification: Benign. Last evaluated: 2025-07-30. Review status: criteria provided, single submitter. Criteria: ARUP Molecular Germline Variant Investigation Process 2024. Collection method: clinical testing. Allele origin: germline. Not counted in ClinVar's aggregate classification.

Center for Genomic Medicine, Rigshospitalet, Copenhagen University Hospital
Classification: Benign. Last evaluated: 2025-03-04. Review status: criteria provided, single submitter. Criteria: ACMG Guidelines, 2015. Collection method: clinical testing. Allele origin: germline. Not counted in ClinVar's aggregate classification.

Blueprint Genetics
Classification: Benign. Last evaluated: 2024-11-27. Review status: criteria provided, single submitter. Criteria: ACMG Guidelines, 2015. Collection method: clinical testing. Allele origin: germline. Not counted in ClinVar's aggregate classification.

All of Us Research Program, National Institutes of Health
Classification: Benign for Breast-ovarian cancer, familial, susceptibility to, 1. Last evaluated: 2024-02-05. Review status: criteria provided, single submitter. Criteria: ACMG Guidelines, 2015. Collection method: clinical testing. Allele origin: germline. Inheritance: Autosomal dominant inheritance. Observed: 4,064 variant alleles, 4,015 heterozygotes, 49 homozygotes. Not counted in ClinVar's aggregate classification.
Comment: This study involves interpretation of variants in research participants for the purpose of population health screening. Participant phenotype was not available at the time of variant classification. Additional details can be found in publication PMID: 35346344, PMCID: PMC8962531

KCCC/NGS Laboratory, Kuwait Cancer Control Center
Classification: Benign for Breast-ovarian cancer, familial, susceptibility to, 1. Last evaluated: 2023-07-07. Review status: criteria provided, single submitter. Criteria: ACMG Guidelines, 2015. Collection method: clinical testing. Allele origin: germline. Affected: yes. Not counted in ClinVar's aggregate classification.

National Health Laboratory Service, Universitas Academic Hospital and University of the Free State
Classification: Benign for Hereditary breast ovarian cancer syndrome. Last evaluated: 2022-04-19. Review status: criteria provided, single submitter. Criteria: ACMG Guidelines, 2015. Collection method: clinical testing. Allele origin: germline. Affected: yes. Observed: 15 variant alleles. Not counted in ClinVar's aggregate classification.

Fulgent Genetics
Classification: Benign for Familial cancer of breast; Breast-ovarian cancer, familial, susceptibility to, 1; Pancreatic cancer, susceptibility to, 4; Fanconi anemia, complementation group S. Last evaluated: 2022-03-16. Review status: criteria provided, single submitter. Criteria: ACMG Guidelines, 2015. Collection method: clinical testing. Allele origin: unknown. Not counted in ClinVar's aggregate classification.

Genetics Program, Instituto Nacional de Cancer
Classification: Benign for Hereditary breast ovarian cancer syndrome. Last evaluated: 2021-11-01. Review status: criteria provided, single submitter. Criteria: ACMG Guidelines, 2015. Collection method: research. Allele origin: germline. Affected: yes. Not counted in ClinVar's aggregate classification.

Sema4
Classification: Benign for Hereditary cancer-predisposing syndrome. Last evaluated: 2021-05-03. Review status: criteria provided, single submitter. Criteria: Sema4 Curation Guidelines. Collection method: curation. Allele origin: germline. Not counted in ClinVar's aggregate classification.

Quest Diagnostics Nichols Institute San Juan Capistrano
Classification: Benign. Last evaluated: 2020-06-15. Review status: criteria provided, single submitter. Criteria: Quest Diagnostics criteria. Collection method: clinical testing. Allele origin: unknown. Not counted in ClinVar's aggregate classification.

Mendelics
Classification: Benign for Breast-ovarian cancer, familial, susceptibility to, 1. Last evaluated: 2019-05-28. Review status: criteria provided, single submitter. Criteria: Mendelics Assertion Criteria 2017. Collection method: clinical testing. Allele origin: unknown. Not counted in ClinVar's aggregate classification.

Illumina Laboratory Services, Illumina
Classification: Benign for Breast-ovarian cancer, familial, susceptibility to, 1. Last evaluated: 2018-03-06. Review status: criteria provided, single submitter. Criteria: ICSL Variant Classification Criteria 13 December 2019. Collection method: clinical testing. Allele origin: germline. Not counted in ClinVar's aggregate classification.
Comment: This variant was observed in the ICSL laboratory as part of a predisposition screen in an ostensibly healthy population. It had not been previously curated by ICSL or reported in the Human Gene Mutation Database (HGMD: prior to June 1st, 2018), and was therefore a candidate for classification through an automated scoring system. Utilizing variant allele frequency, disease prevalence and penetrance estimates, and inheritance mode, an automated score was calculated to assess if this variant is too frequent to cause the disease. Based on the score and internal cut-off values, a variant classified as benign is not then subjected to further curation. The score for this variant resulted in a classification of benign for this disease.

GeneKor MSA
Classification: Benign. Last evaluated: 2017-11-01. Review status: criteria provided, single submitter. Criteria: ACMG Guidelines, 2015. Collection method: clinical testing. Allele origin: germline. Affected: yes. Not counted in ClinVar's aggregate classification.

Cancer Genetics and Genomics Laboratory, British Columbia Cancer Agency
Classification: Benign. Last evaluated: 2017-04-18. Review status: criteria provided, single submitter. Criteria: ACMG Guidelines, 2015. Collection method: clinical testing. Allele origin: germline. Study: The Canadian Open Genetics Repository (COGR). Not counted in ClinVar's aggregate classification.

Baylor Genetics
Classification: Benign for Familial cancer of breast. Last evaluated: 2017-02-23. Review status: criteria provided, single submitter. Criteria: ACMG Guidelines, 2015. Collection method: clinical testing. Allele origin: germline. Inheritance: Autosomal dominant inheritance. Affected: no. Not counted in ClinVar's aggregate classification.

Vantari Genetics
Classification: Benign for Hereditary cancer-predisposing syndrome. Last evaluated: 2015-11-27. Review status: criteria provided, single submitter. Criteria: ACMG Guidelines, 2015. Collection method: clinical testing. Allele origin: germline. Not counted in ClinVar's aggregate classification.